The following is an entry in ClinVar:

ClinVar aggregate classification (germline): Conflicting classifications of pathogenicity. Review status: criteria provided, conflicting classifications (1 of 4 stars). 2 submissions from 2 submitters: Uncertain significance (1); Likely benign (1). Last evaluated 2025-05-05.

Conditions:
Inborn genetic diseases. Identifiers: MedGen C0950123, MeSH D030342.

Allele frequency attached by ClinVar (database versions not stated): gnomAD 0.00001 and 0.00003; ExAC 0.00004; gnomAD exomes 0.00005.
gnomAD v4.1: 38 of 1,610,524 alleles (0.0024%); highest among the groups gnomAD compares: East Asian, 0.022%; no homozygotes.

Submissions (2):

Ambry Genetics
Classification: Likely benign for Inborn genetic diseases. Last evaluated: 2025-05-05. Review status: criteria provided, single submitter. Criteria: Ambry Variant Classification Scheme 2023. Collection method: clinical testing. Allele origin: germline.

Labcorp Genetics (formerly Invitae), Labcorp
Classification: Uncertain significance. Last evaluated: 2021-08-25. Review status: criteria provided, single submitter. Criteria: Invitae Variant Classification Sherloc (09022015). Collection method: clinical testing. Allele origin: germline.
Comment: Advanced modeling of protein sequence and biophysical properties (such as structural, functional, and spatial information, amino acid conservation, physicochemical variation, residue mobility, and thermodynamic stability) performed at Invitae indicates that this missense variant is not expected to disrupt CRB2 protein function. In summary, the available evidence is currently insufficient to determine the role of this variant in disease. Therefore, it has been classified as a Variant of Uncertain Significance. This variant has not been reported in the literature in individuals affected with CRB2-related conditions. This sequence change replaces arginine with histidine at codon 605 of the CRB2 protein (p.Arg605His). The arginine residue is moderately conserved and there is a small physicochemical difference between arginine and histidine. This variant is present in population databases (rs750162087, ExAC 0.05%).

NM_173689.7(CRB2):c.1814G>A (p.Arg605His)

Gene: CRB2 (crumbs cell polarity complex component 2; plus strand). Cytogenetic location: 9q33.3.
Variant type: single nucleotide variant.
Coding change: c.1814G>A on transcript NM_173689.7 (MANE Select); coding-DNA position 1814, G replaced by A.
Protein change: p.Arg605His; replaces arginine 605 with histidine.
Molecular consequence: missense variant. On other transcripts: non-coding transcript variant (1).
Genome position (GRCh38, 1-based): chr9:123,370,867, G>A. VCF-style: chr9-123370867-G-A. GRCh37 (hg19) VCF-style: chr9-126133146-G-A.
Other names: c.1814G>A (NM_173689.5); short protein forms R605H.
Identifiers: ClinVar variation 1438326 (VCV001438326.7), dbSNP rs750162087, ClinGen allele CA5232053.